The following is an entry in ClinVar:

ClinVar aggregate classification (germline): Uncertain significance. Review status: criteria provided, multiple submitters, no conflicts (2 of 4 stars). 3 submissions from 3 submitters: Uncertain significance (3). Last evaluated 2024-05-14.

Conditions:
X-linked intellectual disability, Cantagrel type (XLID98). Also called: INTELLECTUAL DEVELOPMENTAL DISORDER, X-LINKED 98. Identifiers: Orphanet 85277, MedGen C3806730, MONDO:0010483, OMIM 300912.

Submissions (3):

Ambry Genetics
Classification: Uncertain significance. Last evaluated: 2024-05-14. Review status: criteria provided, single submitter. Criteria: Ambry Variant Classification Scheme 2023. Collection method: clinical testing. Allele origin: germline.

GeneDx
Classification: Uncertain significance. Last evaluated: 2019-09-04. Review status: criteria provided, single submitter. Criteria: GeneDx Variant Classification Process June 2021. Collection method: clinical testing. Allele origin: germline. Affected: yes.
Comment: Not observed at a significant frequency in large population cohorts (Lek et al., 2016); In silico analysis, which includes protein predictors and evolutionary conservation, supports that this variant does not alter protein structure/function; Has not been previously published as pathogenic or benign to our knowledge

Geisinger Autism and Developmental Medicine Institute, Geisinger Health System
Classification: Uncertain significance for X-linked intellectual disability, Cantagrel type. Last evaluated: 2017-06-02. Review status: criteria provided, single submitter. Criteria: ACMG Guidelines, 2015. Collection method: provider interpretation, clinical testing. Allele origin: maternal. Observed: 1 variant allele.
Comment: This missense variant is absent from the gnomAD database and computational prediction models are inconsistent. This variant has not been reported previously in the literature, to our knowledge. This gene is not constrained for missense variation and missense variants have not been widely reported as disease-causing for this gene.

NM_001008537.3(NEXMIF):c.2605T>C (p.Ser869Pro)

Gene: NEXMIF (neurite extension and migration factor; minus strand). Cytogenetic location: Xq13.3.
Variant type: single nucleotide variant.
Coding change: c.2605T>C on transcript NM_001008537.3 (MANE Select); coding-DNA position 2605, T replaced by C.
Protein change: p.Ser869Pro; replaces serine 869 with proline.
Molecular consequence: missense variant.
Genome position (GRCh38, 1-based): chrX:74,741,952, A>G on the plus strand (T>C on the coding strand, the complement: NEXMIF is on the minus strand). VCF-style: chrX-74741952-A-G. GRCh37 (hg19) VCF-style: chrX-73961787-A-G.
Other names: short protein forms S869P.
Identifiers: ClinVar variation 560258 (VCV000560258.10), dbSNP rs1216179072, ClinGen allele CA413667853.